The following is an entry in ClinVar:

ClinVar aggregate classification (germline): Conflicting classifications of pathogenicity. Review status: criteria provided, conflicting classifications (1 of 4 stars). 5 submissions from 5 submitters: Uncertain significance (2); Benign (1); Likely benign (1). 1 of the submissions does not count toward it. Last evaluated 2026-01-02.

Conditions:
DNAH9-related disorder. Also called: DNAH9-related condition.
Inborn genetic diseases. Identifiers: MedGen C0950123, MeSH D030342.

Allele frequency attached by ClinVar (database versions not stated): gnomAD exomes 0.00015 and 0.00061; gnomAD 0.00026 and 0.00029; TOPMed 0.00045; ExAC 0.00054; 1000 Genomes Project 0.00080; 1000 Genomes Project 30x 0.00094.
gnomAD v4.1: 288 of 1,614,084 alleles (0.018%); highest among the groups gnomAD compares: East Asian, 0.56%; 5 homozygotes.

Submissions (5):

Labcorp Genetics (formerly Invitae), Labcorp
Classification: Benign. Last evaluated: 2026-01-02. Review status: criteria provided, single submitter. Criteria: Invitae Variant Classification Sherloc (09022015). Collection method: clinical testing. Allele origin: germline.

CeGaT Center for Human Genetics Tuebingen
Classification: Likely benign. Last evaluated: 2025-09-01. Review status: criteria provided, single submitter. Criteria: CeGaT Center For Human Genetics Tuebingen Variant Classification Criteria Version 2. Collection method: clinical testing. Allele origin: germline. Affected: yes. Observed: 2 variant alleles.
Comment: DNAH9: BP4, BS2

Blueprint Genetics
Classification: Uncertain significance. Last evaluated: 2024-10-02. Review status: criteria provided, single submitter. Criteria: ACMG Guidelines, 2015. Collection method: clinical testing. Allele origin: germline.

Ambry Genetics
Classification: Uncertain significance for Inborn genetic diseases. Last evaluated: 2024-04-12. Review status: criteria provided, single submitter. Criteria: Ambry Variant Classification Scheme 2023. Collection method: clinical testing. Allele origin: germline.

PreventionGenetics, part of Exact Sciences
Classification: Benign for DNAH9-related condition. Last evaluated: 2019-08-08. Review status: no assertion criteria provided. Collection method: clinical testing. Allele origin: germline. Not counted in ClinVar's aggregate classification.
Comment: This variant is classified as benign based on ACMG/AMP sequence variant interpretation guidelines (Richards et al. 2015 PMID: 25741868, with internal and published modifications).

NM_001372.4(DNAH9):c.1010C>T (p.Pro337Leu)

Gene: DNAH9 (dynein axonemal heavy chain 9; plus strand). Cytogenetic location: 17p12.
Variant type: single nucleotide variant.
Coding change: c.1010C>T on transcript NM_001372.4 (MANE Select); coding-DNA position 1010, C replaced by T.
Protein change: p.Pro337Leu; replaces proline 337 with leucine.
Molecular consequence: missense variant.
Genome position (GRCh38, 1-based): chr17:11,617,516, C>T. VCF-style: chr17-11617516-C-T. GRCh37 (hg19) VCF-style: chr17-11520833-C-T.
Other names: c.1010C>T (NM_001372.3); short protein forms P337L.
Identifiers: ClinVar variation 1591290 (VCV001591290.31), dbSNP rs3744574, ClinGen allele CA8394732.